The following is an entry in ClinVar:

ClinVar aggregate classification (germline): Likely pathogenic (1 of 4 stars; one submission).

Conditions:
X-linked complicated corpus callosum dysgenesis. Also called: X-Linked Complicated Corpus Callosum Agenesis. Identifiers: Orphanet 1497, MedGen C1839909, MONDO:0010569, OMIM 304100.

Submission:

MGZ Medical Genetics Center
Classification: Likely pathogenic for X-linked complicated corpus callosum dysgenesis. Last evaluated: 2021-07-28. Review status: criteria provided, single submitter. Criteria: ACMG Guidelines, 2015. Collection method: clinical testing. Allele origin: germline. Affected: yes. Observed: 1 variant allele.
Comment: ACMG criteria applied: PVS1, PM2_SUP

NM_001278116.2(L1CAM):c.3530+2T>C

Gene: L1CAM (L1 cell adhesion molecule; minus strand). Cytogenetic location: Xq28.
Variant type: single nucleotide variant.
Coding change: c.3530+2T>C on transcript NM_001278116.2 (MANE Select); the canonical splice donor site of the intron after coding-DNA position 3530, T replaced by C.
Molecular consequence: splice donor variant.
Genome position (GRCh38, 1-based): chrX:153,863,475, A>G on the plus strand (T>C on the coding strand, the complement: L1CAM is on the minus strand). VCF-style: chrX-153863475-A-G. GRCh37 (hg19) VCF-style: chrX-153128930-A-G.
Other names: c.3515+2T>C (NM_001143963.2); c.3530+2T>C (NM_024003.3, NM_000425.5).
Identifiers: ClinVar variation 1709854 (VCV001709854.2), dbSNP rs2520956160, ClinGen allele CA415108241.